The following is an entry in ClinVar:

NM_052872.4(IL17F):c.121T>A (p.Phe41Ile)

Gene: IL17F (interleukin 17F; minus strand). Cytogenetic location: 6p12.2.
Variant type: single nucleotide variant.
Coding change: c.121T>A on transcript NM_052872.4 (MANE Select); coding-DNA position 121, T replaced by A.
Protein change: p.Phe41Ile; replaces phenylalanine 41 with isoleucine.
Molecular consequence: missense variant.
Genome position (GRCh38, 1-based): chr6:52,238,863, A>T on the plus strand (T>A on the coding strand, the complement: IL17F is on the minus strand). VCF-style: chr6-52238863-A-T. GRCh37 (hg19) VCF-style: chr6-52103661-A-T.
Other names: short protein forms F41I.
Identifiers: ClinVar variation 1483880 (VCV001483880.8), dbSNP rs1764017239, ClinGen allele CA364445149.

ClinVar aggregate classification (germline): Uncertain significance (1 of 4 stars; one submission).

Conditions:
Candidiasis, familial, 6 (CANDF6). Also called: Candidiasis, familial, 6, autosomal dominant. Identifiers: Orphanet 1334, MedGen C3151405, MONDO:0013503, OMIM 613956.

Allele frequency attached by ClinVar (database versions not stated): gnomAD exomes below 0.00001; gnomAD 0.00001.

Submission:

Labcorp Genetics (formerly Invitae), Labcorp
Classification: Uncertain significance for Candidiasis, familial, 6. Last evaluated: 2022-07-19. Review status: criteria provided, single submitter. Criteria: Invitae Variant Classification Sherloc (09022015). Collection method: clinical testing. Allele origin: germline.
Comment: In summary, the available evidence is currently insufficient to determine the role of this variant in disease. Therefore, it has been classified as a Variant of Uncertain Significance. Algorithms developed to predict the effect of missense changes on protein structure and function (SIFT, PolyPhen-2, Align-GVGD) all suggest that this variant is likely to be tolerated. ClinVar contains an entry for this variant (Variation ID: 1483880). This variant has not been reported in the literature in individuals affected with IL17F-related conditions. This variant is not present in population databases (gnomAD no frequency). This sequence change replaces phenylalanine, which is neutral and non-polar, with isoleucine, which is neutral and non-polar, at codon 41 of the IL17F protein (p.Phe41Ile).